The following is an entry in ClinVar:

NM_201384.3(PLEC):c.11762T>A (p.Val3921Asp)

Gene: PLEC (plectin; minus strand). Cytogenetic location: 8q24.3.
Variant type: single nucleotide variant.
Coding change: c.11762T>A on transcript NM_201384.3 (MANE Select); coding-DNA position 11762, T replaced by A.
Protein change: p.Val3921Asp; replaces valine 3921 with aspartic acid.
Molecular consequence: missense variant.
Genome position (GRCh38, 1-based): chr8:143,918,059, A>T on the plus strand (T>A on the coding strand, the complement: PLEC is on the minus strand). VCF-style: chr8-143918059-A-T. GRCh37 (hg19) VCF-style: chr8-144992227-A-T.
Other names: c.11843T>A, p.Val3948Asp (NM_000445.5); c.8462T>A, p.Val2821Asp (NM_001410941.1); c.11720T>A, p.Val3907Asp (NM_201378.4); c.11696T>A, p.Val3899Asp (NM_201379.3); c.12173T>A, p.Val4058Asp (NM_201380.4); c.11666T>A, p.Val3889Asp (NM_201381.3); c.11762T>A, p.Val3921Asp (NM_201382.4); c.11774T>A, p.Val3925Asp (NM_201383.3); short protein forms V3925D, V2821D, V3899D, V3907D, V3921D, V3948D, V3889D, V4058D.
Identifiers: ClinVar variation 2103741 (VCV002103741.4), dbSNP rs2539283164, ClinGen allele CA372488582.
Genomic context (GRCh38, chr8:143,918,059, plus strand): 5'-TCCACGAAGACACCAGCGATGCAGCTGGTGCCTTCCAGGAACTTCTGCAAGTTCTTGGTG[A>T]CCTCCTCGATGGAGGTCAGGCCCTCCCGCAGCTGCAGCGCCGTGGCCTCGTCCATGACCT-3'
Protein context (NP_958786.1, residues 3911-3931): LREGLTSIEE[Val3921Asp]TKNLQKFLEG

ClinVar aggregate classification (germline): Uncertain significance (1 of 4 stars; one submission).

Conditions:
Epidermolysis bullosa simplex 5C, with pyloric atresia (EBS5C). Also called: PLEC-Related Epidermolysis Bullosa with Pyloric Atresia; Epidermolysis bullosa simplex with pyloric atresia; PLEC1-Related Epidermolysis Bullosa with Pyloric Atresia. Identifiers: Orphanet 158684, MedGen C2677349, MONDO:0012807, OMIM 612138.
Autosomal recessive limb-girdle muscular dystrophy type 2Q (LGMDR17). Also called: MUSCULAR DYSTROPHY, LIMB-GIRDLE, AUTOSOMAL RECESSIVE 17. Identifiers: Orphanet 254361, MedGen C3150989, MONDO:0013390, OMIM 613723.
Epidermolysis bullosa simplex, Ogna type (EBS5A). Also called: Pidermolysis bullosa simplex 5A, Ogna type; EPIDERMOLYSIS BULLOSA SIMPLEX 5A, OGNA TYPE. Identifiers: Orphanet 79401, MedGen C0432317, MONDO:0007555, OMIM 131950.
Epidermolysis bullosa simplex 5B, with muscular dystrophy (EBS5B). Also called: Epidermolysis bullosa simplex with muscular dystrophy; EPIDERMOLYSIS BULLOSA SIMPLEX AND LIMB-GIRDLE MUSCULAR DYSTROPHY. Identifiers: Orphanet 257, MedGen C2931072, MONDO:0009181, OMIM 226670.
Epidermolysis bullosa simplex with nail dystrophy (EBS5D). Identifiers: MedGen C4225309, MONDO:0014661, OMIM 616487.

Submission:

Labcorp Genetics (formerly Invitae), Labcorp
Classification: Uncertain significance for Autosomal recessive limb-girdle muscular dystrophy type 2Q; Epidermolysis bullosa simplex, Ogna type; Epidermolysis bullosa simplex with nail dystrophy; Epidermolysis bullosa simplex 5C, with pyloric atresia; Epidermolysis bullosa simplex 5B, with muscular dystrophy. Last evaluated: 2022-02-26. Review status: criteria provided, single submitter. Criteria: Invitae Variant Classification Sherloc (09022015). Collection method: clinical testing. Allele origin: germline.
Comment: In summary, the available evidence is currently insufficient to determine the role of this variant in disease. Therefore, it has been classified as a Variant of Uncertain Significance. Algorithms developed to predict the effect of missense changes on protein structure and function (SIFT, PolyPhen-2, Align-GVGD) all suggest that this variant is likely to be disruptive. This variant has not been reported in the literature in individuals affected with PLEC-related conditions. This variant is not present in population databases (gnomAD no frequency). This sequence change replaces valine, which is neutral and non-polar, with aspartic acid, which is acidic and polar, at codon 3948 of the PLEC protein (p.Val3948Asp).